The following is an entry in ClinVar:

ClinVar aggregate classification (germline): Uncertain significance (1 of 4 stars; one submission).

gnomAD v4.1: 3 of 1,612,206 alleles (0.00019%); highest among the groups gnomAD compares: Non-Finnish European, 0.00025%; no homozygotes.

Submission:

Labcorp Genetics (formerly Invitae), Labcorp
Classification: Uncertain significance. Last evaluated: 2022-07-15. Review status: criteria provided, single submitter. Criteria: Invitae Variant Classification Sherloc (09022015). Collection method: clinical testing. Allele origin: germline.
Comment: This sequence change replaces valine, which is neutral and non-polar, with phenylalanine, which is neutral and non-polar, at codon 69 of the TBCK protein (p.Val69Phe). This variant is not present in population databases (gnomAD no frequency). This variant has not been reported in the literature in individuals affected with TBCK-related conditions. Algorithms developed to predict the effect of missense changes on protein structure and function are either unavailable or do not agree on the potential impact of this missense change (SIFT: "Deleterious"; PolyPhen-2: "Benign"; Align-GVGD: "Class C0"). In summary, the available evidence is currently insufficient to determine the role of this variant in disease. Therefore, it has been classified as a Variant of Uncertain Significance.

NM_001163435.3(TBCK):c.205G>T (p.Val69Phe)

Gene: TBCK (TBC1 domain containing kinase; minus strand). Cytogenetic location: 4q24.
Variant type: single nucleotide variant.
Coding change: c.205G>T on transcript NM_001163435.3 (MANE Select); coding-DNA position 205, G replaced by T.
Protein change: p.Val69Phe; replaces valine 69 with phenylalanine.
Molecular consequence: missense variant. On other transcripts: 5 prime UTR variant (1).
Genome position (GRCh38, 1-based): chr4:106,295,155, C>A on the plus strand (G>T on the coding strand, the complement: TBCK is on the minus strand). VCF-style: chr4-106295155-C-A. GRCh37 (hg19) VCF-style: chr4-107216312-C-A.
Other names: c.205G>T, p.Val69Phe (NM_001163436.4, NM_001163437.3, NM_033115.5); c.-413G>T (NM_001290768.2); short protein forms V69F.
Identifiers: ClinVar variation 2129555 (VCV002129555.4), dbSNP rs768434280, ClinGen allele CA357973328.